The following is an entry in ClinVar:

NM_006767.4(LZTR1):c.509+1G>A

Gene: LZTR1 (leucine zipper like post translational regulator 1; plus strand). Cytogenetic location: 22q11.21.
Variant type: single nucleotide variant.
Coding change: c.509+1G>A on transcript NM_006767.4 (MANE Select); the canonical splice donor site of the intron after coding-DNA position 509, G replaced by A.
Molecular consequence: splice donor variant.
Genome position (GRCh38, 1-based): chr22:20,988,119, G>A. VCF-style: chr22-20988119-G-A. GRCh37 (hg19) VCF-style: chr22-21342408-G-A.
Identifiers: ClinVar variation 1745270 (VCV001745270.6), dbSNP rs886041542, ClinGen allele CA410779966.

ClinVar aggregate classification (germline): Pathogenic/Likely pathogenic. Review status: criteria provided, multiple submitters, no conflicts (2 of 4 stars). 2 submissions from 2 submitters: Pathogenic (1); Likely pathogenic (1). Last evaluated 2025-12-20.

Conditions:
Cardiovascular phenotype. Identifiers: MedGen CN230736.
Hereditary cancer-predisposing syndrome. Also called: Hereditary Cancer Syndrome; Neoplastic Syndromes, Hereditary; Tumor predisposition; Hereditary neoplastic syndrome. Identifiers: Orphanet 140162, MedGen C0027672, MeSH D009386, MONDO:0015356.

Allele frequency attached by ClinVar (database versions not stated): gnomAD 0.00001.

Submissions (2):

Labcorp Genetics (formerly Invitae), Labcorp
Classification: Likely pathogenic. Last evaluated: 2025-12-20. Review status: criteria provided, single submitter. Criteria: Invitae Variant Classification Sherloc (09022015). Collection method: clinical testing. Allele origin: germline.
Comment: This sequence change affects a donor splice site in intron 5 of the LZTR1 gene. It is expected to disrupt RNA splicing. Variants that disrupt the donor or acceptor splice site typically lead to a loss of protein function (PMID: 16199547), and loss-of-function variants in LZTR1 are known to be pathogenic (PMID: 24362817, 25335493, 25480913, 25795793, 29469822, 30368668, 30442762, 30442766, 30481304, 30859559). This variant is present in population databases (no rsID available, gnomAD 0.01%). This variant has not been reported in the literature in individuals affected with LZTR1-related conditions. ClinVar contains an entry for this variant (Variation ID: 1745270). Algorithms developed to predict the effect of sequence changes on RNA splicing suggest that this variant may disrupt the consensus splice site. In summary, the currently available evidence indicates that the variant is pathogenic, but additional data are needed to prove that conclusively. Therefore, this variant has been classified as Likely Pathogenic.

Ambry Genetics
Classification: Pathogenic for Cardiovascular phenotype; Hereditary cancer-predisposing syndrome. Last evaluated: 2022-01-10. Review status: criteria provided, single submitter. Criteria: Ambry Variant Classification Scheme 2023. Collection method: clinical testing. Allele origin: germline.
Comment: The c.509+1G>A intronic pathogenic mutation results from a G to A substitution one nucleotide after coding exon 5 of the LZTR1 gene. This nucleotide position is highly conserved in available vertebrate species. In silico splice site analysis predicts that this alteration will weaken the native splice donor site; however, direct evidence is insufficient at this time (Ambry internal data). Another alteration impacting the same donor site (c.509G>A) has been detected in individuals with schwannomatosis (Smith MJ et al. Neurology, 2015 Jan;84:141-7). Alterations that disrupt the canonical splice site are expected to cause aberrant splicing, resulting in an abnormal protein or a transcript that is subject to nonsense-mediated mRNA decay. Loss-of-function variants in LZTR1 are related to an increased risk for schwannomas and autosomal recessive Noonan syndrome; however, such associations with autosomal dominant Noonan syndrome have not been observed (Piotrowski A et al. Nat Genet. 2014 Feb;46:182-7; Yamamoto GL et al. J Med Genet. 2015 Jun;52:413-21; Johnston JJ et al. Genet Med. 2018 10;20:1175-1185). Based on the supporting evidence, this variant is pathogenic for an increased risk of LZTR1-related schwannomatosis (SWN) and would be expected to cause autosomal recessive Noonan syndrome when present along with a second pathogenic or likely pathogenic variant on the other allele; however, the association of this alteration with autosomal dominant Noonan syndrome is unlikely.

Literature cited by the submitters: PubMed 16199547 (cited by Labcorp Genetics (formerly Invitae), Labcorp); PubMed 24362817 (cited by Labcorp Genetics (formerly Invitae), Labcorp); PubMed 25335493 (cited by Labcorp Genetics (formerly Invitae), Labcorp); PubMed 25480913 (cited by Labcorp Genetics (formerly Invitae), Labcorp); PubMed 25795793 (cited by Labcorp Genetics (formerly Invitae), Labcorp); PubMed 29469822 (cited by Labcorp Genetics (formerly Invitae), Labcorp); PubMed 30368668 (cited by Labcorp Genetics (formerly Invitae), Labcorp); PubMed 30442762 (cited by Labcorp Genetics (formerly Invitae), Labcorp); PubMed 30442766 (cited by Labcorp Genetics (formerly Invitae), Labcorp); PubMed 30481304 (cited by Labcorp Genetics (formerly Invitae), Labcorp); PubMed 30859559 (cited by Labcorp Genetics (formerly Invitae), Labcorp).